The following is an entry in ClinVar:

NM_017654.4(SAMD9):c.1880del (p.Ser627fs)

Gene: SAMD9 (sterile alpha motif domain containing 9; minus strand). Cytogenetic location: 7q21.2.
Variant type: Deletion.
Coding change: c.1880del on transcript NM_017654.4 (MANE Select); coding-DNA position 1880, one base deleted (C; older notation c.1880delC).
Protein change: p.Ser627fs; shifts the reading frame from serine 627.
Molecular consequence: frameshift variant.
Genome position (GRCh38, 1-based): chr7:93,104,218, G deleted on the plus strand (C on the coding strand, the reverse complement: SAMD9 is on the minus strand). VCF-style (leftmost placement, unchanged base first): chr7-93104217-AG-A. GRCh37 (hg19) VCF-style: chr7-92733530-AG-A.
Other names: c.1880delC (NM_017654.4); c.1880del, p.Ser627fs (NM_001193307.2); c.1880del (NM_017654.3); short protein forms S627fs.
Identifiers: ClinVar variation 716003 (VCV000716003.25), dbSNP rs767270627, ClinGen allele CA4342918.

ClinVar aggregate classification (germline): Conflicting classifications of pathogenicity. Review status: criteria provided, conflicting classifications (1 of 4 stars). 7 submissions from 7 submitters: Uncertain significance (5); Likely benign (1). 1 of the submissions does not count toward it. Last evaluated 2025-11-24.

Conditions:
SAMD9-related disorder. Also called: SAMD9-related condition.
MIRAGE syndrome. Also called: MYELODYSPLASIA, INFECTION, RESTRICTION OF GROWTH, ADRENAL HYPOPLASIA, GENITAL PHENOTYPES, AND ENTEROPATHY. Identifiers: Orphanet 494433, MedGen C4284088, MONDO:0014888, OMIM 617053.

Allele frequency attached by ClinVar (database versions not stated): ExAC 0.00007; gnomAD exomes 0.00013 and 0.00044; TOPMed 0.00018; gnomAD 0.00022 and 0.00023; ESP Exome Variant Server 0.00024.

Submissions (7):

Labcorp Genetics (formerly Invitae), Labcorp
Classification: Likely benign. Last evaluated: 2025-11-24. Review status: criteria provided, single submitter. Criteria: Invitae Variant Classification Sherloc (09022015). Collection method: clinical testing. Allele origin: germline.

Women's Health and Genetics/Laboratory Corporation of America, LabCorp
Classification: Uncertain significance. Last evaluated: 2025-07-21. Review status: criteria provided, single submitter. Criteria: LabCorp Variant Classification Summary - May 2015. Collection method: clinical testing. Allele origin: germline.
Comment: Variant summary: SAMD9 c.1880delC (p.Ser627PhefsX16) results in a premature termination codon, predicted to cause a truncation of the encoded protein or absence of the protein due to nonsense mediated decay, however current evidence is not sufficient to establish loss of function as a mechanism for disease. The variant allele was found at a frequency of 0.00013 in 250964 control chromosomes. This frequency is not significantly higher than estimated for a pathogenic variant in SAMD9 causing MIRAGE Syndrome, allowing no conclusion about variant significance. To our knowledge, no occurrence of c.1880delC in individuals affected with MIRAGE Syndrome and no experimental evidence demonstrating its impact on protein function have been reported. ClinVar contains an entry for this variant (Variation ID: 716003). Based on the evidence outlined above, the variant was classified as uncertain significance.

GeneDx
Classification: Uncertain significance. Last evaluated: 2024-10-03. Review status: criteria provided, single submitter. Criteria: GeneDx Variant Classification Process June 2021. Collection method: clinical testing. Allele origin: germline.
Comment: Observed in an individual with a personal history of ovarian cancer (PMID: 28881617); Frameshift variant predicted to result in abnormal protein length as the last 963 amino acid(s) are replaced with 15 different amino acid(s) with an unclear effect on protein function; This variant is associated with the following publications: (PMID: 28881617, 28545555)

Blueprint Genetics
Classification: Uncertain significance. Last evaluated: 2024-06-27. Review status: criteria provided, single submitter. Criteria: ACMG Guidelines, 2015. Collection method: clinical testing. Allele origin: germline.

St. Jude Molecular Pathology, St. Jude Children's Research Hospital
Classification: Uncertain significance for MIRAGE syndrome. Last evaluated: 2023-08-17. Review status: criteria provided, single submitter. Criteria: St. Jude Assertion Criteria 2020. Collection method: clinical testing. Allele origin: germline.
Comment: The SAMD9 c.1880del (p.Ser627PhefsTer16) variant causes a frameshift of the protein coding sequence and the creation of a premature stop codon, however the functional significance of this variant is currently unknown. This variant has a maximum subpopulation frequency of 0.031% in gnomAD v2.1.1. This variant has not been reported in individuals with MIRAGE syndrome or monosomy 7. In summary, the evidence currently available is insufficient to determine the clinical significance of this variant. It has therefore been classified as of uncertain significance.

Genetic Services Laboratory, University of Chicago
Classification: Uncertain significance. Last evaluated: 2018-04-16. Review status: criteria provided, single submitter. Criteria: ACMG Guidelines, 2015. Collection method: clinical testing. Allele origin: germline. Affected: no.

PreventionGenetics, part of Exact Sciences
Classification: Uncertain significance for SAMD9-related condition. Last evaluated: 2024-08-13. Review status: no assertion criteria provided. Collection method: clinical testing. Allele origin: germline. Not counted in ClinVar's aggregate classification.
Comment: The SAMD9 c.1880delC variant is predicted to result in a frameshift and premature protein termination (p.Ser627Phefs*16). To our knowledge, this variant has not been reported in the literature. This variant is reported in 0.031% of alleles in individuals of European (Non-Finnish) descent in gnomAD and has conflicting interpretations regarding its pathogenicity in ClinVar, ranging from likely benign to uncertain. Although we suspect that this variant may be pathogenic, at this time, the clinical significance of this variant is uncertain due to the absence of conclusive functional and genetic evidence.